The following is an entry in ClinVar:

ClinVar aggregate classification (germline): Benign/Likely benign. Review status: criteria provided, multiple submitters, no conflicts (2 of 4 stars). 10 submissions from 10 submitters: Benign (5); Likely benign (4). 1 of the submissions does not count toward it. Last evaluated 2026-02-02.

Conditions:
Hereditary cancer-predisposing syndrome. Also called: Tumor predisposition; Hereditary neoplastic syndrome; Hereditary Cancer Syndrome; Neoplastic Syndromes, Hereditary. Identifiers: Orphanet 140162, MedGen C0027672, MeSH D009386, MONDO:0015356.
Microcephaly, normal intelligence and immunodeficiency (NBS). Also called: Nijmegen breakage syndrome; BERLIN BREAKAGE SYNDROME; Ataxia telangiectasia variant V1; SEEMANOVA SYNDROME II; IMMUNODEFICIENCY, MICROCEPHALY, AND CHROMOSOMAL INSTABILITY; Immunodeficiency, microcephaly with normal intelligence. Identifiers: Orphanet 647, MedGen C0398791, MONDO:0009623, OMIM 251260.
Malignant tumor of breast. Also called: Cancer breast; Malignant breast neoplasm. Identifiers: MedGen C0006142, MONDO:0007254. Disease mechanism: loss of function.

Allele frequency attached by ClinVar (database versions not stated): gnomAD exomes 0.00015 and 0.00056; gnomAD 0.00019 and 0.00025; TOPMed 0.00028; ExAC 0.00051; 1000 Genomes Project 30x 0.00094; 1000 Genomes Project 0.00120.
gnomAD v4.1: 256 of 1,611,442 alleles (0.016%); highest among the groups gnomAD compares: East Asian, 0.52%; no homozygotes.

Submissions (10):

Labcorp Genetics (formerly Invitae), Labcorp
Classification: Benign for Microcephaly, normal intelligence and immunodeficiency. Last evaluated: 2026-02-02. Review status: criteria provided, single submitter. Criteria: Invitae Variant Classification Sherloc (09022015). Collection method: clinical testing. Allele origin: germline.

CeGaT Center for Human Genetics Tuebingen
Classification: Likely benign. Last evaluated: 2025-10-01. Review status: criteria provided, single submitter. Criteria: CeGaT Center For Human Genetics Tuebingen Variant Classification Criteria Version 2. Collection method: clinical testing. Allele origin: germline. Affected: yes. Observed: 1 variant allele.
Comment: NBN: BP4, BP7

Quest Diagnostics Nichols Institute San Juan Capistrano
Classification: Benign. Last evaluated: 2025-05-31. Review status: criteria provided, single submitter. Criteria: Quest Diagnostics criteria. Collection method: clinical testing. Allele origin: unknown.

Blueprint Genetics
Classification: Likely benign. Last evaluated: 2024-10-22. Review status: criteria provided, single submitter. Criteria: ACMG Guidelines, 2015. Collection method: clinical testing. Allele origin: germline.

Sema4
Classification: Benign for Hereditary cancer-predisposing syndrome. Last evaluated: 2021-08-16. Review status: criteria provided, single submitter. Criteria: Sema4 Curation Guidelines. Collection method: curation. Allele origin: germline.

Women's Health and Genetics/Laboratory Corporation of America, LabCorp
Classification: Benign. Last evaluated: 2019-02-14. Review status: criteria provided, single submitter. Criteria: LabCorp Variant Classification Summary - May 2015. Collection method: clinical testing. Allele origin: germline.
Comment: Variant summary: NBN c.2220T>C alters a non-conserved nucleotide resulting in a synonymous change. 5/5 computational tools predict no significant impact on normal splicing. However, these predictions have yet to be confirmed by functional studies. The variant allele was found at a frequency of 0.00056 in 281422 control chromosomes, predominantly within the East Asian subpopulation at a frequency of 0.0078 in the gnomAD database. The observed variant frequency within East Asian control individuals in the gnomAD database is approximately 60 fold of the estimated maximal expected allele frequency for a pathogenic variant in NBN causing Hereditary Breast and Ovarian Cancer phenotype, strongly suggesting that the variant is a benign polymorphism found primarily in populations of East Asian origin. Though the variant, c.2220T>C, has been reported in the literature in East Asian individuals affected with breast cancer (Kim 2015), it was also found in several healthy controls (Momozawa 2018). A large case-control association study involving unselected breast cancer patients and controls of Japanese ancestry concluded that the variant is benign (Momozawa 2018). To our knowledge, no experimental evidence demonstrating an impact on protein function has been reported. Two clinical diagnostic laboratories have submitted clinical-significance assessments for this variant to ClinVar after 2014 without evidence for independent evaluation and classified the variant as benign (1x) / likely benign (1x). Based on the evidence outlined above, the variant was classified as benign.

Illumina Laboratory Services, Illumina
Classification: Likely benign for Microcephaly, normal intelligence and immunodeficiency. Last evaluated: 2018-01-12. Review status: criteria provided, single submitter. Criteria: ICSL Variant Classification Criteria 13 December 2019. Collection method: clinical testing. Allele origin: germline.
Comment: This variant was observed in the ICSL laboratory as part of a predisposition screen in an ostensibly healthy population. It had not been previously curated by ICSL or reported in the Human Gene Mutation Database (HGMD: prior to June 1st, 2018), and was therefore a candidate for classification through an automated scoring system. Utilizing variant allele frequency, disease prevalence and penetrance estimates, and inheritance mode, an automated score was calculated to assess if this variant is too frequent to cause the disease. Based on the score and internal cut-off values, a variant classified as likely benign is not then subjected to further curation. The score for this variant resulted in a classification of likely benign for this disease.

Ambry Genetics
Classification: Likely benign for Hereditary cancer-predisposing syndrome. Last evaluated: 2014-10-17. Review status: criteria provided, single submitter. Criteria: Ambry Variant Classification Scheme 2023. Collection method: clinical testing. Allele origin: germline.

GeneDx
Classification: Benign. Last evaluated: 2014-08-18. Review status: criteria provided, single submitter. Criteria: GeneDx Variant Classification (06012015). Collection method: clinical testing. Allele origin: germline. Affected: yes.
Comment: This variant is considered likely benign or benign based on one or more of the following criteria: it is a conservative change, it occurs at a poorly conserved position in the protein, it is predicted to be benign by multiple in silico algorithms, and/or has population frequency not consistent with disease.

Department of Pathology and Laboratory Medicine, Sinai Health System
Classification: Likely benign for Malignant tumor of breast. Review status: no assertion criteria provided. Collection method: clinical testing. Allele origin: unknown. Affected: yes. Study: The Canadian Open Genetics Repository (COGR). Not counted in ClinVar's aggregate classification.
Comment: The NBN p.Ala740= variant was identified in 47 of 14,208 proband chromosomes (frequency: 0.003) from individuals with breast cancer and was present in 117 of 47,460 control chromosomes (frequency: 0.002) from healthy individuals (Momozawa 2018). The variant was identified in dbSNP (rs147494981) as â€šÃ„Ãºwith likely benign alleleâ€šÃ„Ã¹, ClinVar (classified as benign by Invitae and GeneDx and likely benign by Color and Ambry Genetics) and LOVD 3.0 (observed 5x). The variant was identified in control databases in 157 of 281,422 chromosomes at a frequency of 0.0006 (Genome Aggregation Database Feb 27, 2017). The variant was observed in the following populations: East Asian in 156 of 19,936 chromosomes (freq: 0.008 increasing the likelihood this could be a low frequency benign variant), Other in 1 of 7180 chromosomes (freq: 0.0001), while the variant was not observed in the African, Latino, Ashkenazi Jewish, Finnish, European and South Asian populations. The p.Ala740= variant is not expected to have clinical significance because it does not result in a change of amino acid and is not located in a known consensus splice site. The variant occurs at a non-highly conserved nucleotide outside of the splicing consensus sequence and in silico or computational prediction software programs (SpliceSiteFinder, MaxEntScan, NNSPLICE, GeneSplicer) do not predict a difference in splicing. In summary, based on the above information the clinical significance of this variant cannot be determined with certainty at this time although we would lean towards a more benign role for this variant. This variant is classified as likely benign.

Literature cited by the submitters: PubMed 25712764 (cited by Quest Diagnostics Nichols Institute San Juan Capistrano and Women's Health and Genetics/Laboratory Corporation of America, LabCorp); PubMed 38509102 (cited by Quest Diagnostics Nichols Institute San Juan Capistrano); PubMed 30287823 (cited by Quest Diagnostics Nichols Institute San Juan Capistrano and Women's Health and Genetics/Laboratory Corporation of America, LabCorp).

NM_002485.5(NBN):c.2220T>C (p.Ala740=)

Gene: NBN (nibrin; minus strand). Cytogenetic location: 8q21.3.
Variant type: single nucleotide variant.
Coding change: c.2220T>C on transcript NM_002485.5 (MANE Select); coding-DNA position 2220, T replaced by C.
Protein change: p.Ala740=; no amino-acid change (alanine 740 retained).
Molecular consequence: synonymous variant.
Genome position (GRCh38, 1-based): chr8:89,937,040, A>G on the plus strand (T>C on the coding strand, the complement: NBN is on the minus strand). VCF-style: chr8-89937040-A-G. GRCh37 (hg19) VCF-style: chr8-90949268-A-G.
Other names: p.A740A:GCT>GCC; c.1974T>C, p.Ala658= (NM_001024688.3).
Identifiers: ClinVar variation 136043 (VCV000136043.34), dbSNP rs147494981, ClinGen allele CA299587.
Genomic context (GRCh38, chr8:89,937,040, plus strand): 5'-ATATACATCTCTCAAAGGTACATGAGAAAGGTGAATCAAACTTTACCTAAAAAGATCATC[A>G]GCAAGAGACTCTTCTTTTGCATGTTGATTTTGTACCTGTCAAAATTAACATAATTTCAAA-3'
Protein context (NP_002476.2, residues 730-750): QNQHAKEESL[Ala740=]DDLFRYNPYL